The following is an entry in ClinVar:

NM_006060.6(IKZF1):c.145A>G (p.Ser49Gly)

Gene: IKZF1 (IKAROS family zinc finger 1; plus strand). Cytogenetic location: 7p12.2.
Variant type: single nucleotide variant.
Coding change: c.145A>G on transcript NM_006060.6 (MANE Select); coding-DNA position 145, A replaced by G.
Protein change: p.Ser49Gly; replaces serine 49 with glycine.
Molecular consequence: missense variant.
Genome position (GRCh38, 1-based): chr7:50,327,742, A>G. VCF-style: chr7-50327742-A-G. GRCh37 (hg19) VCF-style: chr7-50367338-A-G.
Other names: c.145A>G, p.Ser49Gly (NM_001291839.2, NM_001291840.1, NM_001291841.1 and 14 more transcripts); short protein forms S49G.
Identifiers: ClinVar variation 4082449 (VCV004082449.2).
Genomic context (GRCh38, chr7:50,327,742, plus strand): 5'-GAGCCCATGCCGATCCCCGAGGACCTCTCCACCACCTCGGGAGGACAGCAAAGCTCCAAG[A>G]GTGACAGAGTCGTGGGTAAGTGGGTCACCAGCGGCCTCTGTGCCTGTGAAACCTTTATCT-3'
Protein context (NP_006051.1, residues 39-59): TTSGGQQSSK[Ser49Gly]DRVVASNVKV

ClinVar aggregate classification (germline): Uncertain significance (1 of 4 stars; one submission).

Submission:

Genetic Services Laboratory, University of Chicago
Classification: Uncertain significance. Last evaluated: 2023-01-27. Review status: criteria provided, single submitter. Criteria: ACMG Guidelines, 2015. Collection method: clinical testing. Allele origin: germline. Affected: no.
Comment: DNA sequence analysis of the IKZF1 gene demonstrated a sequence change, c.145A>G, in exon 3 that results in an amino acid change, p.Ser49Gly. This sequence change does not appear to have been previously described in individuals with IKZF1-related disorders and has also not been described in population databases such as ExAC and gnomAD. The p.Ser49Gly change affects a poorly conserved amino acid residue located in a domain of the IKZF1 protein that is not known to be functional. In-silico pathogenicity prediction tools (SIFT, PolyPhen2, Align GVGD, REVEL) provide contradictory results for the p.Ser49Gly substitution. Due to insufficient evidence and the lack of functional studies, the clinical significance of the p.Ser49Gly change remains unknown at this time.